The following is an entry in ClinVar:

NM_001365276.2(TNXB):c.10178_10185del (p.Asp3393fs)

Gene: TNXB (tenascin XB; minus strand). Cytogenetic location: 6p21.33.
Variant type: Deletion.
Coding change: c.10178_10185del on transcript NM_001365276.2 (MANE Select); coding-DNA positions 10178 to 10185, 8 bases deleted (ATGGTCGG; older notation c.10178_10185delATGGTCGG).
Protein change: p.Asp3393fs; shifts the reading frame from aspartic acid 3393.
Molecular consequence: frameshift variant.
Genome position (GRCh38, 1-based): chr6:32,047,873-32,047,880, CCGACCAT deleted on the plus strand (ATGGTCGG on the coding strand, the reverse complement: TNXB is on the minus strand); deleting any 8 consecutive bases within chr6:32,047,873-32,047,882 gives the same sequence; the c. name uses the placement nearest the transcript's 3' end. VCF-style (leftmost placement, unchanged base first): chr6-32047872-GCCGACCAT-G. GRCh37 (hg19) VCF-style: chr6-32015649-GCCGACCAT-G.
Other names: c.10919_10926del, p.Asp3640fs (NM_001428335.1); c.10172_10179del, p.Asp3391fs (NM_019105.8); short protein forms D3391fs, D3640fs, D3393fs.
Identifiers: ClinVar variation 5004054 (VCV005004054.1).

ClinVar aggregate classification (germline): Pathogenic (1 of 4 stars; one submission).

Conditions:
Ehlers-Danlos syndrome due to tenascin-X deficiency (EDSCLL1). Also called: TNX DEFICIENCY; EDS DUE TO TNX DEFICIENCY; EHLERS-DANLOS SYNDROME, CLASSIC-LIKE; Ehlers-Danlos syndrome, classic-like, 1; TNXB-Related Classical-Like Ehlers-Danlos Syndrome. Identifiers: Orphanet 230839, MedGen C1848029, MONDO:0011670, OMIM 606408.

Submission:

Myriad Genetics, Inc.
Classification: Pathogenic for Ehlers-Danlos syndrome due to tenascin-X deficiency. Last evaluated: 2026-06-09. Review status: criteria provided, single submitter. Criteria: Myriad Autosomal Dominant, Autosomal Recessive and X-Linked Classification Criteria (2023). Collection method: clinical testing. Allele origin: unknown.
Comment: NM_019105.6(TNXB):c.10172_10179del8(D3391Afs*22) is a frameshift variant classified as pathogenic in the context of classical-like Ehlers-Danlos syndrome, TNXB-related. D3391Afs*22 has not been observed in cases with relevant disease. Relevant functional assessments of this variant are not available in the literature. D3391Afs*22 has been observed in referenced population frequency databases. In summary, NM_019105.6(TNXB):c.10172_10179del8(D3391Afs*22) is a frameshift variant in a gene where loss of function is a known mechanism of disease and is predicted to disrupt protein function. Please note: this variant was assessed in the context of healthy population screening.